The following is an entry in ClinVar:

NM_003640.5(ELP1):c.1457A>G (p.Tyr486Cys)

Gene: ELP1 (elongator acetyltransferase complex subunit 1; minus strand). Cytogenetic location: 9q31.3.
Variant type: single nucleotide variant.
Coding change: c.1457A>G on transcript NM_003640.5 (MANE Select); coding-DNA position 1457, A replaced by G.
Protein change: p.Tyr486Cys; replaces tyrosine 486 with cysteine.
Molecular consequence: missense variant.
Genome position (GRCh38, 1-based): chr9:108,908,308, T>C on the plus strand (A>G on the coding strand, the complement: ELP1 is on the minus strand). VCF-style: chr9-108908308-T-C. GRCh37 (hg19) VCF-style: chr9-111670588-T-C.
Other names: c.1115A>G, p.Tyr372Cys (NM_001318360.2); c.410A>G, p.Tyr137Cys (NM_001330749.2); c.1457A>G (LRG_251t1); short protein forms Y486C, Y137C, Y372C.
Identifiers: ClinVar variation 526181 (VCV000526181.10), dbSNP rs764155403, ClinGen allele CA5175023.

ClinVar aggregate classification (germline): Uncertain significance. Review status: criteria provided, multiple submitters, no conflicts (2 of 4 stars). 4 submissions from 4 submitters: Uncertain significance (3). 1 of the submissions does not count toward it. Last evaluated 2025-05-05.

Conditions:
Familial dysautonomia. Also called: FD; HSAN III. Identifiers: Orphanet 1764, MedGen C0013364, MONDO:0009131, OMIM 223900. Disease mechanism: loss of function.
Medulloblastoma (MDB). Also called: Medulloblastoma, somatic; MEDULLOBLASTOMA PREDISPOSITION SYNDROME. Identifiers: Orphanet 616, MedGen C0025149, MeSH D008527, MONDO:0007959, OMIM 155255, HP:0002885.

Allele frequency attached by ClinVar (database versions not stated): gnomAD 0.00001; TOPMed 0.00001; ExAC 0.00002; gnomAD exomes 0.00002.
gnomAD v4.1: 10 of 1,610,416 alleles (0.00062%); highest among the groups gnomAD compares: Non-Finnish European, 0.00085%; no homozygotes.

Submissions (4):

Ambry Genetics
Classification: Uncertain significance. Last evaluated: 2025-05-05. Review status: criteria provided, single submitter. Criteria: Ambry Variant Classification Scheme 2023. Collection method: clinical testing. Allele origin: germline.

Fulgent Genetics
Classification: Uncertain significance for Medulloblastoma; Familial dysautonomia. Last evaluated: 2024-06-18. Review status: criteria provided, single submitter. Criteria: ACMG Guidelines, 2015. Collection method: clinical testing. Allele origin: germline.

Labcorp Genetics (formerly Invitae), Labcorp
Classification: Uncertain significance. Last evaluated: 2021-08-30. Review status: criteria provided, single submitter. Criteria: Invitae Variant Classification Sherloc (09022015). Collection method: clinical testing. Allele origin: germline.
Comment: This sequence change replaces tyrosine with cysteine at codon 486 of the ELP1 protein (p.Tyr486Cys). The tyrosine residue is moderately conserved and there is a large physicochemical difference between tyrosine and cysteine. This variant is present in population databases (rs764155403, ExAC 0.005%). This variant has not been reported in the literature in individuals affected with ELP1-related conditions. Algorithms developed to predict the effect of missense changes on protein structure and function are either unavailable or do not agree on the potential impact of this missense change (SIFT: "Tolerated"; PolyPhen-2: "Probably Damaging"; Align-GVGD: "Class C0"). In summary, the available evidence is currently insufficient to determine the role of this variant in disease. Therefore, it has been classified as a Variant of Uncertain Significance.

Natera, Inc.
Classification: Uncertain significance for Familial dysautonomia. Last evaluated: 2020-09-16. Review status: no assertion criteria provided. Collection method: clinical testing. Allele origin: germline. Not counted in ClinVar's aggregate classification.